The following is an entry in ClinVar:

ClinVar aggregate classification (germline): Uncertain significance. Review status: criteria provided, single submitter (1 of 4 stars). 2 submissions from 2 submitters: Uncertain significance (1). 1 of the submissions does not count toward it. Last evaluated 2017-07-06.

Conditions:
Spondylometaphyseal dysplasia. Identifiers: Orphanet 254, MedGen C4759767, MONDO:0016763, HP:0002657.

Submissions (2):

GeneDx
Classification: Uncertain significance. Last evaluated: 2017-07-06. Review status: criteria provided, single submitter. Criteria: GeneDx Variant Classification (06012015). Collection method: clinical testing. Allele origin: germline. Affected: yes.
Comment: The C258Y variant in the FN1 gene has not been reported previously as a pathogenic variant, nor as a benign variant, to our knowledge. The C258Y variant is not observed in large population cohorts (Lek et al., 2016). The C258Y variant is a non-conservative amino acid substitution, which is likely to impact secondary protein structure as these residues differ in polarity, charge, size and/or other properties. This substitution occurs at a position that is conserved across species. In silico analysis predicts this variant is probably damaging to the protein structure/function. We interpret C258Y as a variant of uncertain significance.

CHU Sainte-Justine Research Center, University of Montreal
Classification: Likely pathogenic for Spondylometaphyseal dysplasia. Last evaluated: 2018-05-09. Review status: no assertion criteria provided. Collection method: research. Allele origin: germline. Affected: yes. Not counted in ClinVar's aggregate classification.
Comment: 6 Individuals with novel FN1 mutations and spondylometaphyseal dysplasia

NM_212482.4(FN1):c.773G>A (p.Cys258Tyr)

Gene: FN1 (fibronectin 1; minus strand). Cytogenetic location: 2q35.
Variant type: single nucleotide variant.
Coding change: c.773G>A on transcript NM_212482.4 (MANE Select); coding-DNA position 773, G replaced by A.
Protein change: p.Cys258Tyr; replaces cysteine 258 with tyrosine.
Molecular consequence: missense variant.
Genome position (GRCh38, 1-based): chr2:215,428,251, C>T on the plus strand (G>A on the coding strand, the complement: FN1 is on the minus strand). VCF-style: chr2-215428251-C-T. GRCh37 (hg19) VCF-style: chr2-216292974-C-T.
Other names: c.773G>A, p.Cys258Tyr (NM_001306129.2, NM_001306130.2, NM_001306131.2 and 14 more transcripts); short protein forms C258Y.
Identifiers: ClinVar variation 450072 (VCV000450072.3), dbSNP rs1553658948, ClinGen allele CA350473836.